The following is an entry in ClinVar:

ClinVar aggregate classification (germline): Uncertain significance (1 of 4 stars; one submission).

Submission:

Ambry Genetics
Classification: Uncertain significance. Last evaluated: 2022-12-11. Review status: criteria provided, single submitter. Criteria: Ambry Variant Classification Scheme 2023. Collection method: clinical testing. Allele origin: germline.
Comment: The p.Q1047R variant (also known as c.3140A>G), located in coding exon 27 of the PRKDC gene, results from an A to G substitution at nucleotide position 3140. The glutamine at codon 1047 is replaced by arginine, an amino acid with highly similar properties. This amino acid position is conserved. In addition, this alteration is predicted to be tolerated by in silico analysis. Since supporting evidence is limited at this time, the clinical significance of this alteration remains unclear.

NM_006904.7(PRKDC):c.3140A>G (p.Gln1047Arg)

Gene: PRKDC (protein kinase, DNA-activated, catalytic subunit; minus strand). Cytogenetic location: 8q11.21.
Variant type: single nucleotide variant.
Coding change: c.3140A>G on transcript NM_006904.7 (MANE Select); coding-DNA position 3140, A replaced by G.
Protein change: p.Gln1047Arg; replaces glutamine 1047 with arginine.
Molecular consequence: missense variant.
Genome position (GRCh38, 1-based): chr8:47,902,698, T>C on the plus strand (A>G on the coding strand, the complement: PRKDC is on the minus strand). VCF-style: chr8-47902698-T-C. GRCh37 (hg19) VCF-style: chr8-48815258-T-C.
Other names: c.3140A>G, p.Gln1047Arg (NM_001081640.2); short protein forms Q1047R.
Identifiers: ClinVar variation 2449837 (VCV002449837.2), dbSNP rs2551875582, ClinGen allele CA371156952.
Genomic context (GRCh38, chr8:47,902,698, plus strand): 5'-GCAAGGCTATAAAGTCGCTTGAAAAGCGATTTGGTGTTTACTGGACTCTTCTCCTGCTGC[T>C]GTGGTGTTATTTGCTTAATGGACCATTTAAGGAATTCTCGAATACACCGACCACAAAAAT-3'
Protein context (NP_008835.5, residues 1037-1057): LKWSIKQITP[Gln1047Arg]QQEKSPVNTK